The following is an entry in ClinVar:

NM_017514.5(PLXNA3):c.3363C>T (p.Tyr1121=)

Gene: PLXNA3 (plexin A3; plus strand). Cytogenetic location: Xq28.
Variant type: single nucleotide variant.
Coding change: c.3363C>T on transcript NM_017514.5 (MANE Select); coding-DNA position 3363, C replaced by T.
Protein change: p.Tyr1121=; no amino-acid change (tyrosine 1121 retained).
Molecular consequence: synonymous variant.
Genome position (GRCh38, 1-based): chrX:154,467,393, C>T. VCF-style: chrX-154467393-C-T. GRCh37 (hg19) VCF-style: chrX-153695736-C-T.
Identifiers: ClinVar variation 4993701 (VCV004993701.1).
Genomic context (GRCh38, chrX:154,467,393, plus strand): 5'-TGGCTTCCTGCTGGACCACGTGCAAACGGCCCGCTCCCTCAACCGCTCCTCCTTTACCTA[C>T]TACCCTGATCCCAGCTTTGAGCCGCTGGGGCCCTCTGGCGTGCTGGACGTCAAACCGGGC-3'
Protein context (NP_059984.3, residues 1111-1131): ARSLNRSSFT[Tyr1121=]YPDPSFEPLG

ClinVar aggregate classification (germline): Likely benign (1 of 4 stars; one submission).

Conditions:
PLXNA3-related disorder. Also called: PLXNA3-related condition.

Submission:

PreventionGenetics, part of Exact Sciences
Classification: Likely benign for PLXNA3-related condition. Last evaluated: 2026-07-23. Review status: criteria provided, single submitter. Criteria: ACMG Guidelines, 2015. Collection method: clinical testing. Allele origin: germline.
Comment: This variant is classified as likely benign based on ACMG/AMP sequence variant interpretation guidelines (Richards et al. 2015 PMID: 25741868, with internal and published modifications).